The following is an entry in ClinVar:

ClinVar aggregate classification (germline): Likely pathogenic (1 of 4 stars; one submission).

Conditions:
Familial juvenile hyperuricemic nephropathy type 1 (ADTKD1). Also called: Autosomal Dominant Tubulointerstitial Kidney Disease – UMOD; Glomerulocystic kidney disease with hyperuricemia and isosthenuria; Medullary cystic kidney disease 2; UMOD-Associated Kidney Disease; Uromodulin-associated kidney disease. Identifiers: Orphanet 209886, Orphanet 34149, Orphanet 88950, MedGen C4551496, MONDO:0008073, OMIM 162000.

Submission:

Victorian Clinical Genetics Services, Murdoch Childrens Research Institute
Classification: Likely pathogenic for Familial juvenile hyperuricemic nephropathy type 1. Last evaluated: 2018-05-16. Review status: criteria provided, single submitter. Criteria: ACMG Guidelines, 2015. Collection method: clinical testing. Allele origin: unknown. Affected: yes.
Comment: A heterozygous missense variant, NM_003361.3(UMOD):c.150C>G, has been identified in exon 3 of 11 in the UMOD gene. The variant is predicted to result in a major amino acid change from a cysteine to a tryptophan at position 50 of the protein, NP_003352.2(UMOD):p.(Cys50Trp). The cysteine residue at this position has high conservation (100 vertebrates, UCSC), and is located within the EGF_3 functional domain. In silico predictions for this variant are consistently pathogenic (Polyphen, SIFT, CADD, Mutation Taster). The variant is absent in population databases (gnomAD, dbSNP, 1000G) and has not been previously reported in clinical cases. Parental testing has indicated this variant is due to a de novo event. Based on the information available at the time of curation, this variant has been classified as LIKELY PATHOGENIC. NB: This variant has been reclassified due to de novo status.

NM_003361.4(UMOD):c.150C>G (p.Cys50Trp)

Gene: UMOD (uromodulin; minus strand). Cytogenetic location: 16p12.3.
Variant type: single nucleotide variant.
Coding change: c.150C>G on transcript NM_003361.4 (MANE Select); coding-DNA position 150, C replaced by G.
Protein change: p.Cys50Trp; replaces cysteine 50 with tryptophan.
Molecular consequence: missense variant. On other transcripts: non-coding transcript variant (1).
Genome position (GRCh38, 1-based): chr16:20,349,151, G>C on the plus strand (C>G on the coding strand, the complement: UMOD is on the minus strand). VCF-style: chr16-20349151-G-C. GRCh37 (hg19) VCF-style: chr16-20360473-G-C.
Other names: c.150C>G, p.Cys50Trp (NM_001008389.3, NM_001378232.1, NM_001378233.1 and 3 more transcripts); c.249C>G, p.Cys83Trp (NM_001278614.2); short protein forms C50W, C83W.
Identifiers: ClinVar variation 975071 (VCV000975071.5), dbSNP rs1965764292, ClinGen allele CA394987855.
Genomic context (GRCh38, chr16:20,349,151, plus strand): 5'-GGCGCACTCATCCAGGTCCACGCAGGTCAGGCCATCGCCGGTGAAGCCCTCCTGACAGGT[G>C]CACGTCGTAACGGCCTCATCCTCCGTGCAGGTGGCATTGCTGTGACATTCAGAGCACCAT-3'
Protein context (NP_003352.2, residues 40-60): TCTEDEAVTT[Cys50Trp]TCQEGFTGDG